The following is an entry in ClinVar:

ClinVar aggregate classification (germline): Uncertain significance. Review status: criteria provided, multiple submitters, no conflicts (2 of 4 stars). 2 submissions from 2 submitters: Uncertain significance (2). Last evaluated 2025-09-17.

Conditions:
Inborn genetic diseases. Identifiers: MedGen C0950123, MeSH D030342.

Allele frequency attached by ClinVar (database versions not stated): ExAC 0.00001; gnomAD exomes 0.00001; gnomAD 0.00002; TOPMed 0.00002; 1000 Genomes Project 30x 0.00016; 1000 Genomes Project 0.00020.
gnomAD v4.1: 27 of 1,613,896 alleles (0.0017%); highest among the groups gnomAD compares: East Asian, 0.013%; no homozygotes.

Submissions (2):

Labcorp Genetics (formerly Invitae), Labcorp
Classification: Uncertain significance. Last evaluated: 2025-09-17. Review status: criteria provided, single submitter. Criteria: Invitae Variant Classification Sherloc (09022015). Collection method: clinical testing. Allele origin: germline.
Comment: This sequence change replaces proline, which is neutral and non-polar, with leucine, which is neutral and non-polar, at codon 57 of the SGMS2 protein (p.Pro57Leu). This variant is present in population databases (rs373293706, gnomAD 0.01%). This variant has not been reported in the literature in individuals affected with SGMS2-related conditions. ClinVar contains an entry for this variant (Variation ID: 2398970). An algorithm developed to predict the effect of missense changes on protein structure and function (PolyPhen-2) suggests that this variant is likely to be tolerated. In summary, the available evidence is currently insufficient to determine the role of this variant in disease. Therefore, it has been classified as a Variant of Uncertain Significance.

Ambry Genetics
Classification: Uncertain significance for Inborn genetic diseases. Last evaluated: 2022-05-27. Review status: criteria provided, single submitter. Criteria: Ambry Variant Classification Scheme 2023. Collection method: clinical testing. Allele origin: germline.

NM_001375905.1(SGMS2):c.170C>T (p.Pro57Leu)

Genes: SGMS2 (sphingomyelin synthase 2; plus strand), CYP2U1-AS1 (CYP2U1 and SGMS2 antisense RNA 1; minus strand). Cytogenetic location: 4q25.
Variant type: single nucleotide variant.
Coding change: c.170C>T on transcript NM_001375905.1 (MANE Select); coding-DNA position 170, C replaced by T.
Protein change: p.Pro57Leu; replaces proline 57 with leucine.
Molecular consequence: missense variant. On other transcripts: intron variant (1).
Genome position (GRCh38, 1-based): chr4:107,895,723, C>T. VCF-style: chr4-107895723-C-T. GRCh37 (hg19) VCF-style: chr4-108816879-C-T.
Other names: c.170C>T, p.Pro57Leu (NM_001136257.2, NM_001136258.2, NM_001375906.1 and 4 more transcripts); c.-64-3852C>T (NM_001375911.1); c.170C>T (NM_152621.5); short protein forms P57L.
Identifiers: ClinVar variation 2398970 (VCV002398970.8), dbSNP rs373293706, ClinGen allele CA3036728.